The following is an entry in ClinVar:

NM_031308.4(EPPK1):c.269G>A (p.Gly90Asp)

Gene: EPPK1 (epiplakin 1; minus strand). Cytogenetic location: 8q24.3.
Variant type: single nucleotide variant.
Coding change: c.269G>A on transcript NM_031308.4 (MANE Select); coding-DNA position 269, G replaced by A.
Protein change: p.Gly90Asp; replaces glycine 90 with aspartic acid.
Molecular consequence: missense variant.
Genome position (GRCh38, 1-based): chr8:143,872,985, C>T on the plus strand (G>A on the coding strand, the complement: EPPK1 is on the minus strand). VCF-style: chr8-143872985-C-T. GRCh37 (hg19) VCF-style: chr8-144947153-C-T.
Other names: c.269G>A (NM_031308.1); short protein forms G90D.
Identifiers: ClinVar variation 3049096 (VCV003049096.3), dbSNP rs201658335, ClinGen allele CA4923657.

ClinVar aggregate classification (germline): Uncertain significance. Review status: criteria provided, single submitter (1 of 4 stars). 2 submissions from 2 submitters: Uncertain significance (1). 1 of the submissions does not count toward it. Last evaluated 2025-08-01.

Conditions:
EPPK1-related disorder. Also called: EPPK1-related condition.

Allele frequency attached by ClinVar (database versions not stated): gnomAD exomes 0.00021; ExAC 0.00065; ESP Exome Variant Server 0.00133; 1000 Genomes Project 30x 0.00187; gnomAD 0.00218; 1000 Genomes Project 0.00220; TOPMed 0.00254.

Submissions (2):

Ambry Genetics
Classification: Uncertain significance. Last evaluated: 2025-08-01. Review status: criteria provided, single submitter. Criteria: Ambry Variant Classification Scheme 2023. Collection method: clinical testing. Allele origin: germline.

PreventionGenetics, part of Exact Sciences
Classification: Likely benign for EPPK1-related condition. Last evaluated: 2022-08-02. Review status: no assertion criteria provided. Collection method: clinical testing. Allele origin: germline. Not counted in ClinVar's aggregate classification.
Comment: This variant is classified as likely benign based on ACMG/AMP sequence variant interpretation guidelines (Richards et al. 2015 PMID: 25741868, with internal and published modifications).